The following is an entry in ClinVar:

NM_001199107.2(TBC1D24):c.428A>C (p.His143Pro)

Gene: TBC1D24 (TBC1 domain family member 24; plus strand). Cytogenetic location: 16p13.3.
Variant type: single nucleotide variant.
Coding change: c.428A>C on transcript NM_001199107.2 (MANE Select); coding-DNA position 428, A replaced by C.
Protein change: p.His143Pro; replaces histidine 143 with proline.
Molecular consequence: missense variant.
Genome position (GRCh38, 1-based): chr16:2,496,576, A>C. VCF-style: chr16-2496576-A-C. GRCh37 (hg19) VCF-style: chr16-2546577-A-C.
Other names: c.428A>C, p.His143Pro (NM_020705.3); short protein forms H143P.
Identifiers: ClinVar variation 3750332 (VCV003750332.2).

ClinVar aggregate classification (germline): Uncertain significance (1 of 4 stars; one submission).

Conditions:
Autosomal dominant nonsyndromic hearing loss 65. Also called: Deafness, autosomal dominant 65; TBC1D24-Related Autosomal Dominant Nonsyndromic Hearing Loss (DFNA). Identifiers: Orphanet 90635, MedGen C3892048, MONDO:0014470, OMIM 616044.
Developmental and epileptic encephalopathy, 1 (DEE1). Also called: INFANTILE SPASM SYNDROME, X-LINKED 1; X-linked infantile spasms; West's syndrome; Tonic spasms with clustering, arrest of psychomotor development and hypsarrhythmia on EEG; X-Linked Infantile Spasm Syndrome; OHTAHARA SYNDROME, X-LINKED. Identifiers: MedGen C3463992, MONDO:0010632, OMIM 308350. Disease mechanism: loss of function.

gnomAD v4.1: 1 of 1,609,268 alleles (0.000062%); highest among the groups gnomAD compares: East Asian, 0.0022%; no homozygotes.

Submission:

Labcorp Genetics (formerly Invitae), Labcorp
Classification: Uncertain significance for Developmental and epileptic encephalopathy, 1; Autosomal dominant nonsyndromic hearing loss 65. Last evaluated: 2024-11-09. Review status: criteria provided, single submitter. Criteria: Invitae Variant Classification Sherloc (09022015). Collection method: clinical testing. Allele origin: germline.
Comment: This sequence change replaces histidine, which is basic and polar, with proline, which is neutral and non-polar, at codon 143 of the TBC1D24 protein (p.His143Pro). This variant is not present in population databases (gnomAD no frequency). This variant has not been reported in the literature in individuals affected with TBC1D24-related conditions. Invitae Evidence Modeling of protein sequence and biophysical properties (such as structural, functional, and spatial information, amino acid conservation, physicochemical variation, residue mobility, and thermodynamic stability) indicates that this missense variant is expected to disrupt TBC1D24 protein function with a positive predictive value of 95%. In summary, the available evidence is currently insufficient to determine the role of this variant in disease. Therefore, it has been classified as a Variant of Uncertain Significance.